The following is an entry in ClinVar:

ClinVar aggregate classification (germline): Pathogenic (1 of 4 stars; one submission).

Submission:

Labcorp Genetics (formerly Invitae), Labcorp
Classification: Pathogenic. Last evaluated: 2021-07-29. Review status: criteria provided, single submitter. Criteria: Invitae Variant Classification Sherloc (09022015). Collection method: clinical testing. Allele origin: germline.
Comment: This sequence change creates a premature translational stop signal (p.Leu106*) in the FRMD7 gene. It is expected to result in an absent or disrupted protein product. Loss-of-function variants in FRMD7 are known to be pathogenic (PMID: 17013395). This variant is not present in population databases (ExAC no frequency). This variant has not been reported in the literature in individuals affected with FRMD7-related conditions. For these reasons, this variant has been classified as Pathogenic.

Literature cited by the submitters: PubMed 17013395.

NM_194277.3(FRMD7):c.317T>A (p.Leu106Ter)

Gene: FRMD7 (FERM domain containing 7; minus strand). Cytogenetic location: Xq26.2.
Variant type: single nucleotide variant.
Coding change: c.317T>A on transcript NM_194277.3 (MANE Select); coding-DNA position 317, T replaced by A.
Protein change: p.Leu106Ter; replaces leucine 106 with a stop codon.
Molecular consequence: nonsense.
Genome position (GRCh38, 1-based): chrX:132,094,107, A>T on the plus strand (T>A on the coding strand, the complement: FRMD7 is on the minus strand). VCF-style: chrX-132094107-A-T. GRCh37 (hg19) VCF-style: chrX-131228135-A-T.
Other names: c.272T>A, p.Leu91Ter (NM_001306193.2); short protein forms L106*, L91*.
Identifiers: ClinVar variation 1456404 (VCV001456404.6), dbSNP rs2124241129, ClinGen allele CA414681695.